The following is an entry in ClinVar:

ClinVar aggregate classification (germline): Uncertain significance. Review status: criteria provided, multiple submitters, no conflicts (2 of 4 stars). 2 submissions from 2 submitters: Uncertain significance (2). Last evaluated 2025-05-22.

Allele frequency attached by ClinVar (database versions not stated): TOPMed 0.00005; ExAC 0.00006; gnomAD exomes 0.00006; gnomAD 0.00007; ESP Exome Variant Server 0.00015.
gnomAD v4.1: 47 of 1,590,776 alleles (0.003%); highest among the groups gnomAD compares: East Asian, 0.025%; no homozygotes.

Submissions (2):

Labcorp Genetics (formerly Invitae), Labcorp
Classification: Uncertain significance. Last evaluated: 2025-05-22. Review status: criteria provided, single submitter. Criteria: Invitae Variant Classification Sherloc (09022015). Collection method: clinical testing. Allele origin: germline.
Comment: This sequence change replaces alanine, which is neutral and non-polar, with threonine, which is neutral and polar, at codon 121 of the TNFRSF6B protein (p.Ala121Thr). This variant is present in population databases (rs374434659, gnomAD 0.04%). This variant has not been reported in the literature in individuals affected with TNFRSF6B-related conditions. ClinVar contains an entry for this variant (Variation ID: 1499023). An algorithm developed to predict the effect of missense changes on protein structure and function outputs the following: PolyPhen-2: "Benign". The threonine amino acid residue is found in multiple mammalian species, which suggests that this missense change does not adversely affect protein function. In summary, the available evidence is currently insufficient to determine the role of this variant in disease. Therefore, it has been classified as a Variant of Uncertain Significance.

Ambry Genetics
Classification: Uncertain significance. Last evaluated: 2023-10-05. Review status: criteria provided, single submitter. Criteria: Ambry Variant Classification Scheme 2023. Collection method: clinical testing. Allele origin: germline.

NM_003823.4(TNFRSF6B):c.361G>A (p.Ala121Thr)

Genes: RTEL1-TNFRSF6B (RTEL1-TNFRSF6B readthrough (NMD candidate); plus strand), TNFRSF6B (TNF receptor superfamily member 6b; plus strand). Cytogenetic location: 20q13.33.
Variant type: single nucleotide variant.
Coding change: c.361G>A on transcript NM_003823.4 (MANE Select); coding-DNA position 361, G replaced by A.
Protein change: p.Ala121Thr; replaces alanine 121 with threonine.
Molecular consequence: missense variant. On other transcripts: non-coding transcript variant (1).
Genome position (GRCh38, 1-based): chr20:63,697,128, G>A. VCF-style: chr20-63697128-G-A. GRCh37 (hg19) VCF-style: chr20-62328481-G-A.
Other names: c.361G>A (NM_003823.3); short protein forms A121T.
Identifiers: ClinVar variation 1499023 (VCV001499023.7), dbSNP rs374434659, ClinGen allele CA9966424.